The following is an entry in ClinVar:

NM_170665.4(ATP2A2):c.*4578G>A

Gene: ATP2A2 (ATPase sarcoplasmic/endoplasmic reticulum Ca2+ transporting 2; plus strand). Cytogenetic location: 12q24.11.
Variant type: single nucleotide variant.
Coding change: c.*4578G>A on transcript NM_170665.4 (MANE Select); 4578 bases downstream of the stop codon, G replaced by A.
Molecular consequence: 3 prime UTR variant.
Genome position (GRCh38, 1-based): chr12:110,351,048, G>A. VCF-style: chr12-110351048-G-A. GRCh37 (hg19) VCF-style: chr12-110788853-G-A.
Other names: c.*743G>A (NM_001681.4).
Identifiers: ClinVar variation 307196 (VCV000307196.5), dbSNP rs143926209, ClinGen allele CA10640932.

ClinVar aggregate classification (germline): Benign (1 of 4 stars; one submission).

Conditions:
Keratosis follicularis (DAR). Also called: Darier disease; Darier's disease. Identifiers: Orphanet 218, MedGen C0022595, MONDO:0007417, OMIM 124200.

Allele frequency attached by ClinVar (database versions not stated): TOPMed 0.00008; gnomAD 0.00009 and 0.00013; 1000 Genomes Project 30x 0.00047; 1000 Genomes Project 0.00060.

Submission:

Illumina Laboratory Services, Illumina
Classification: Benign for Keratosis follicularis. Last evaluated: 2018-01-13. Review status: criteria provided, single submitter. Criteria: ICSL Variant Classification Criteria 13 December 2019. Collection method: clinical testing. Allele origin: germline.
Comment: This variant was observed in the ICSL laboratory as part of a predisposition screen in an ostensibly healthy population. It had not been previously curated by ICSL or reported in the Human Gene Mutation Database (HGMD: prior to June 1st, 2018), and was therefore a candidate for classification through an automated scoring system. Utilizing variant allele frequency, disease prevalence and penetrance estimates, and inheritance mode, an automated score was calculated to assess if this variant is too frequent to cause the disease. Based on the score and internal cut-off values, a variant classified as benign is not then subjected to further curation. The score for this variant resulted in a classification of benign for this disease.